The following is an entry in ClinVar:

ClinVar aggregate classification (germline): Pathogenic/Likely pathogenic. Review status: criteria provided, multiple submitters, no conflicts (2 of 4 stars). 2 submissions from 2 submitters: Pathogenic (1); Likely pathogenic (1). Last evaluated 2025-02-27.

Conditions:
Townes-Brocks syndrome 1 (TBS1). Also called: SALL1-Related Townes-Brocks Syndrome; DEAFNESS, SENSORINEURAL, WITH IMPERFORATE ANUS AND THUMB ANOMALIES; REAR SYNDROME; RENAL-EAR-ANAL-RADIAL SYNDROME. Identifiers: Orphanet 857, MedGen C4551481, MONDO:0054581, OMIM 107480.

Submissions (2):

Centre de Biologie Pathologie Génétique, Centre Hospitalier Universitaire de Lille
Classification: Pathogenic for Townes-Brocks syndrome 1. Last evaluated: 2025-02-27. Review status: criteria provided, single submitter. Criteria: ACMG Guidelines, 2015. Collection method: clinical testing. Allele origin: unknown. Inheritance: Autosomal dominant inheritance. Affected: yes.
Comment: PVS1 + PM2 + PP4 + PP1

Center of Human Genetics, Hôpital Erasme
Classification: Likely pathogenic for Townes-Brocks syndrome 1. Last evaluated: 2025-01-01. Review status: criteria provided, single submitter. Criteria: ACMG Guidelines, 2015. Collection method: clinical testing. Allele origin: unknown. Affected: yes.

NM_002968.3(SALL1):c.2390del (p.Pro797fs)

Gene: SALL1 (spalt like transcription factor 1; minus strand). Cytogenetic location: 16q12.1.
Variant type: Deletion.
Coding change: c.2390del on transcript NM_002968.3 (MANE Select); coding-DNA position 2390, one base deleted (C; older notation c.2390delC).
Protein change: p.Pro797fs; shifts the reading frame from proline 797.
Molecular consequence: frameshift variant.
Genome position (GRCh38, 1-based): chr16:51,139,832, G deleted on the plus strand (C on the coding strand, the reverse complement: SALL1 is on the minus strand); the first of 4 consecutive G bases (chr16:51,139,832-51,139,835); deleting any one gives the same sequence. VCF-style (leftmost placement, unchanged base first): chr16-51139831-TG-T. GRCh37 (hg19) VCF-style: chr16-51173742-TG-T.
Other names: c.2099del, p.Pro700fs (NM_001127892.2); c.2390delC (NM_002968.3); short protein forms P700fs, P797fs.
Identifiers: ClinVar variation 3765528 (VCV003765528.2).
Genomic context (GRCh38, chr16:51,139,831, plus strand): 5'-ATTTTTCTCATCAAAGGAACCTGTGTCAGACTCCATGGACTCAGAGTAGCTGTCGGGGAC[TG>T]GGGTGTTGGGGATCTGGCCTCCCATATGCATTCGGATGTGCTGCTGCAGGACCACAGCGT-3'